The following is an entry in ClinVar:

ClinVar aggregate classification (germline): Uncertain significance (1 of 4 stars; one submission).

Submission:

Labcorp Genetics (formerly Invitae), Labcorp
Classification: Uncertain significance. Last evaluated: 2025-10-10. Review status: criteria provided, single submitter. Criteria: Invitae Variant Classification Sherloc (09022015). Collection method: clinical testing. Allele origin: germline.
Comment: This sequence change replaces lysine, which is basic and polar, with glutamic acid, which is acidic and polar, at codon 947 of the COL4A1 protein (p.Lys947Glu). This variant is not present in population databases (gnomAD no frequency). This variant has not been reported in the literature in individuals affected with COL4A1-related conditions. Invitae Evidence Modeling of protein sequence and biophysical properties (such as structural, functional, and spatial information, amino acid conservation, physicochemical variation, residue mobility, and thermodynamic stability) has been performed for this missense variant. However, the output from this modeling did not meet the statistical confidence thresholds required to predict the impact of this variant on COL4A1 protein function. In summary, the available evidence is currently insufficient to determine the role of this variant in disease. Therefore, it has been classified as a Variant of Uncertain Significance.

NM_001845.6(COL4A1):c.2839A>G (p.Lys947Glu)

Gene: COL4A1 (collagen type IV alpha 1 chain; minus strand). Cytogenetic location: 13q34.
Variant type: single nucleotide variant.
Coding change: c.2839A>G on transcript NM_001845.6 (MANE Select); coding-DNA position 2839, A replaced by G.
Protein change: p.Lys947Glu; replaces lysine 947 with glutamic acid.
Molecular consequence: missense variant.
Genome position (GRCh38, 1-based): chr13:110,176,915, T>C on the plus strand (A>G on the coding strand, the complement: COL4A1 is on the minus strand). VCF-style: chr13-110176915-T-C. GRCh37 (hg19) VCF-style: chr13-110829262-T-C.
Other names: short protein forms K947E.
Identifiers: ClinVar variation 4746036 (VCV004746036.1).